The following is an entry in ClinVar:

NM_020778.5(ALPK3):c.135C>G (p.Pro45=)

Gene: ALPK3 (alpha kinase 3; plus strand). Cytogenetic location: 15q25.3.
Variant type: single nucleotide variant.
Coding change: c.135C>G on transcript NM_020778.5 (MANE Select); coding-DNA position 135, C replaced by G.
Protein change: p.Pro45=; no amino-acid change (proline 45 retained).
Molecular consequence: synonymous variant.
Genome position (GRCh38, 1-based): chr15:84,817,587, C>G. VCF-style: chr15-84817587-C-G. GRCh37 (hg19) VCF-style: chr15-85360818-C-G.
Identifiers: ClinVar variation 1198940 (VCV001198940.13), dbSNP rs369591811, ClinGen allele CA492277122.

ClinVar aggregate classification (germline): Likely benign. Review status: criteria provided, multiple submitters, no conflicts (2 of 4 stars). 4 submissions from 4 submitters: Likely benign (4). Last evaluated 2026-01-05.

Conditions:
ALPK3-related disorder. Also called: ALPK3-related condition.
Cardiovascular phenotype. Identifiers: MedGen CN230736.

Submissions (4):

Labcorp Genetics (formerly Invitae), Labcorp
Classification: Likely benign. Last evaluated: 2026-01-05. Review status: criteria provided, single submitter. Criteria: Invitae Variant Classification Sherloc (09022015). Collection method: clinical testing. Allele origin: germline.

PreventionGenetics, part of Exact Sciences
Classification: Likely benign for ALPK3-related condition. Last evaluated: 2025-08-04. Review status: criteria provided, single submitter. Criteria: ACMG Guidelines, 2015. Collection method: clinical testing. Allele origin: germline.
Comment: This variant is classified as likely benign based on ACMG/AMP sequence variant interpretation guidelines (Richards et al. 2015 PMID: 25741868, with internal and published modifications).

Ambry Genetics
Classification: Likely benign for Cardiovascular phenotype. Last evaluated: 2019-08-19. Review status: criteria provided, single submitter. Criteria: Ambry Variant Classification Scheme 2023. Collection method: clinical testing. Allele origin: germline.

GeneDx
Classification: Likely benign. Last evaluated: 2018-09-20. Review status: criteria provided, single submitter. Criteria: GeneDx Variant Classification Process June 2021. Collection method: clinical testing. Allele origin: germline. Affected: yes.